The following is an entry in ClinVar:

NM_138413.4(HOGA1):c.803_805del (p.Leu268del)

Gene: HOGA1 (4-hydroxy-2-oxoglutarate aldolase 1; plus strand). Cytogenetic location: 10q24.2.
Variant type: Deletion.
Coding change: c.803_805del on transcript NM_138413.4 (MANE Select); coding-DNA positions 803 to 805, 3 bases deleted (TGC; older notation c.803_805delTGC).
Protein change: p.Leu268del; deletes leucine 268.
Molecular consequence: inframe deletion.
Genome position (GRCh38, 1-based): chr10:97,601,959-97,601,961, TGC deleted; deleting any 3 consecutive bases within chr10:97,601,958-97,601,961 gives the same sequence; the c. name uses the placement nearest the transcript's 3' end. VCF-style (leftmost placement, unchanged base first): chr10-97601957-ACTG-A. GRCh37 (hg19) VCF-style: chr10-99361714-ACTG-A.
Other names: NP_612422.2:p.68fs; c.314_316del, p.Leu105del (NM_001134670.2); short protein forms L268del, L105del.
Identifiers: ClinVar variation 204288 (VCV000204288.4), dbSNP rs796052092, ClinGen allele CA203984.

ClinVar aggregate classification (germline): Conflicting classifications of pathogenicity. Review status: criteria provided, conflicting classifications (1 of 4 stars). 3 submissions from 3 submitters: Likely pathogenic (1); Uncertain significance (1). 1 of the submissions does not count toward it. Last evaluated 2026-07-16.

Conditions:
Primary hyperoxaluria type 3. Also called: PH III. Identifiers: Orphanet 416, Orphanet 93600, MedGen C3150878, MONDO:0013327, OMIM 613616. Disease mechanism: loss of function.

Submissions (3):

Myriad Genetics, Inc.
Classification: Uncertain significance for Primary hyperoxaluria type 3. Last evaluated: 2026-07-16. Review status: criteria provided, single submitter. Criteria: Myriad Autosomal Dominant, Autosomal Recessive and X-Linked Classification Criteria (2023). Collection method: clinical testing. Allele origin: unknown.
Comment: NM_138413.3(HOGA1):c.803_805delTGC(L268del) is an in-frame deletion classified as a variant of uncertain significance in the context of primary hyperoxaluria type 3. L268del has been observed in a case with relevant disease (PMID: 24563386). Relevant functional assessments of this variant are not available in the literature. L268del has not been observed in referenced population frequency databases. In summary, there is insufficient evidence to classify NM_138413.3(HOGA1):c.803_805delTGC(L268del) as pathogenic or benign. Please note: this variant was assessed in the context of healthy population screening.

Natera, Inc.
Classification: Likely pathogenic for Primary hyperoxaluria type III. Last evaluated: 2025-06-05. Review status: criteria provided, single submitter. Criteria: Natera Variant Classification Schema (03/2026). Collection method: clinical testing. Allele origin: germline.
Comment: The c.803_805delTGC variant in HOGA1 is an in-frame deletion predicted to remove leucine at amino acid 268 while preserving the reading frame. This variant is rare in the general population with a frequency below the threshold expected for the associated phenotype(s). This variant has been observed in one or more individuals affected with the associated recessive disease, as either homozygous or compound heterozygous with a second variant (PMID: 24563386). This variant results in a change to the protein length while preserving reading frame, which may disrupt normal protein structure or function. Computational prediction algorithms indicate this variant is likely to affect gene or protein function. Given the available evidence, this variant is classified as Likely Pathogenic.

Clinical Biochemistry Laboratory, Health Services Laboratory
Classification: Pathogenic for Primary hyperoxaluria, type III. Last evaluated: 2014-11-27. Review status: no assertion criteria provided. Collection method: research. Allele origin: germline. Affected: yes. Not counted in ClinVar's aggregate classification.

Literature cited by the submitters: PubMed 24563386 (cited by 3 submitters).